The following is an entry in ClinVar:

ClinVar aggregate classification (germline): Pathogenic (1 of 4 stars; one submission).

Conditions:
Tumor predisposition syndrome 3 (TPDS3). Also called: Melanoma, cutaneous malignant, susceptibility to, 10; Glioma susceptibility 9; LONG TELOMERE SYNDROME, POT1-RELATED; POT1 Tumor Predisposition. Identifiers: Orphanet 618, MedGen C4014476, MONDO:0014368, OMIM 615848.

Submission:

Labcorp Genetics (formerly Invitae), Labcorp
Classification: Pathogenic for Tumor predisposition syndrome 3. Last evaluated: 2022-04-01. Review status: criteria provided, single submitter. Criteria: Invitae Variant Classification Sherloc (09022015). Collection method: clinical testing. Allele origin: germline.
Comment: This sequence change creates a premature translational stop signal (p.Met544Asnfs*6) in the POT1 gene. It is expected to result in an absent or disrupted protein product. Loss-of-function variants in POT1 are known to be pathogenic (PMID: 32155570). This variant is not present in population databases (gnomAD no frequency). This variant has not been reported in the literature in individuals affected with POT1-related conditions. For these reasons, this variant has been classified as Pathogenic.

Literature cited by the submitters: PubMed 32155570.

NM_015450.3(POT1):c.1630dup (p.Met544fs)

Gene: POT1 (protection of telomeres 1; minus strand). Cytogenetic location: 7q31.33.
Variant type: Duplication.
Coding change: c.1630dup on transcript NM_015450.3 (MANE Select); coding-DNA position 1630, one base duplicated (A; older notation c.1630dupA).
Protein change: p.Met544fs; shifts the reading frame from methionine 544.
Molecular consequence: frameshift variant. On other transcripts: non-coding transcript variant (3).
Genome position (GRCh38, 1-based): chr7:124,827,270, T duplicated on the plus strand (A on the coding strand, the reverse complement: POT1 is on the minus strand). VCF-style (leftmost placement, unchanged base first): chr7-124827269-A-AT. GRCh37 (hg19) VCF-style: chr7-124467323-A-AT.
Other names: c.1237dup, p.Met413fs (NM_001042594.2); short protein forms M413fs, M544fs.
Identifiers: ClinVar variation 2077131 (VCV002077131.4), dbSNP rs2485345289, ClinGen allele CA2580076432.